The following is an entry in ClinVar:

ClinVar aggregate classification (germline): Benign. Review status: criteria provided, multiple submitters, no conflicts (2 of 4 stars). 2 submissions from 2 submitters: Benign (2). Last evaluated 2018-06-14.

Allele frequency attached by ClinVar (database versions not stated): 1000 Genomes Project 0.74820; gnomAD exomes 0.79975; gnomAD 0.70537 and 0.71691; TOPMed 0.71087; 1000 Genomes Project 30x 0.73688.
gnomAD v4.1: 1,163,411 of 1,471,028 alleles (79%); highest among the groups gnomAD compares: East Asian, 92%; 464,335 homozygotes.

Submissions (2):

GeneDx
Classification: Benign. Last evaluated: 2018-06-14. Review status: criteria provided, single submitter. Criteria: GeneDx Variant Classification (06012015). Collection method: clinical testing. Allele origin: germline. Affected: yes.
Comment: This variant is considered likely benign or benign based on one or more of the following criteria: it is a conservative change, it occurs at a poorly conserved position in the protein, it is predicted to be benign by multiple in silico algorithms, and/or has population frequency not consistent with disease.

Breakthrough Genomics
Classification: Benign. Review status: criteria provided, single submitter. Criteria: ACMG Guidelines, 2015. Collection method: not provided. Allele origin: germline. Inheritance: Autosomal recessive inheritance. Affected: yes.

NM_001077365.2(POMT1):c.2004-70C>T

Gene: POMT1 (protein O-mannosyltransferase 1; plus strand). Cytogenetic location: 9q34.13.
Variant type: single nucleotide variant.
Coding change: c.2004-70C>T on transcript NM_001077365.2 (MANE Select); 70 bases into the intron before coding-DNA position 2004, C replaced by T.
Molecular consequence: intron variant.
Genome position (GRCh38, 1-based): chr9:131,522,862, C>T. VCF-style: chr9-131522862-C-T. GRCh37 (hg19) VCF-style: chr9-134398249-C-T.
Other names: c.1908-70C>T (NM_001353198.2, NM_001353197.2); c.2070-70C>T (NM_001353193.2, NM_007171.4); c.2004-70C>T (NM_001136113.2); c.1842-70C>T (NM_001353194.2, NM_001077366.2); c.1653-70C>T (NM_001374691.1, NM_001353195.2, NM_001374692.1 and 2 more transcripts); c.1785-70C>T (NM_001374690.1); c.1914-70C>T (NM_001353196.2); c.1614-70C>T (NM_001374695.1); and 3 more.
Identifiers: ClinVar variation 668015 (VCV000668015.2), dbSNP rs10122068, ClinGen allele CA12973364.